The following is an entry in ClinVar:

ClinVar aggregate classification (germline): Uncertain significance (1 of 4 stars; one submission).

Conditions:
PURA-related severe neonatal hypotonia-seizures-encephalopathy syndrome (NEDRIHF). Also called: NEURODEVELOPMENTAL DISORDER WITH NEONATAL RESPIRATORY INSUFFICIENCY, HYPOTONIA, AND FEEDING DIFFICULTIES; PURA-Related Neurodevelopmental Disorders. Identifiers: Orphanet 438213, Orphanet 438216, MedGen C4015357, MONDO:1060108, OMIM 616158, MONDO:0018580.

Submission:

Labcorp Genetics (formerly Invitae), Labcorp
Classification: Uncertain significance for PURA-related severe neonatal hypotonia-seizures-encephalopathy syndrome. Last evaluated: 2025-11-13. Review status: criteria provided, single submitter. Criteria: Invitae Variant Classification Sherloc (09022015). Collection method: clinical testing. Allele origin: germline.
Comment: This sequence change replaces glycine, which is neutral and non-polar, with aspartic acid, which is acidic and polar, at codon 39 of the PURA protein (p.Gly39Asp). This variant is not present in population databases (gnomAD no frequency). This variant has not been reported in the literature in individuals affected with PURA-related conditions. Invitae Evidence Modeling of protein sequence and biophysical properties (such as structural, functional, and spatial information, amino acid conservation, physicochemical variation, residue mobility, and thermodynamic stability) indicates that this missense variant is not expected to disrupt PURA protein function with a negative predictive value of 95%. This variant disrupts the p.Gly39 amino acid residue in PURA. Other variant(s) that disrupt this residue have been determined to be pathogenic (internal data). This suggests that this residue is clinically significant, and that variants that disrupt this residue are likely to be disease-causing. In summary, the available evidence is currently insufficient to determine the role of this variant in disease. Therefore, it has been classified as a Variant of Uncertain Significance.

NM_005859.5(PURA):c.116G>A (p.Gly39Asp)

Gene: PURA (purine rich element binding protein A; plus strand). Cytogenetic location: 5q31.3.
Variant type: single nucleotide variant.
Coding change: c.116G>A on transcript NM_005859.5 (MANE Select); coding-DNA position 116, G replaced by A.
Protein change: p.Gly39Asp; replaces glycine 39 with aspartic acid.
Molecular consequence: missense variant.
Genome position (GRCh38, 1-based): chr5:140,114,297, G>A. VCF-style: chr5-140114297-G-A. GRCh37 (hg19) VCF-style: chr5-139493882-G-A.
Other names: short protein forms G39D.
Identifiers: ClinVar variation 4768147 (VCV004768147.1).